The following is an entry in ClinVar:

ClinVar aggregate classification (germline): Pathogenic/Likely pathogenic. Review status: criteria provided, multiple submitters, no conflicts (2 of 4 stars). 4 submissions from 4 submitters: Pathogenic (1); Likely pathogenic (3). Last evaluated 2026-02-10.

Conditions:
Medium-chain acyl-coenzyme A dehydrogenase deficiency (ACADMD). Also called: CARNITINE DEFICIENCY SECONDARY TO MEDIUM-CHAIN ACYL-CoA DEHYDROGENASE DEFICIENCY; MCAD Deficiency; MCADH DEFICIENCY; MCADD; ACADM DEFICIENCY; Medium chain acyl-CoA dehydrogenase deficiency. Identifiers: Orphanet 42, MedGen C0220710, MONDO:0008721, OMIM 201450.

Allele frequency attached by ClinVar (database versions not stated): gnomAD exomes below 0.00001.
gnomAD v4.1: 1 of 1,613,166 alleles (0.000062%); highest among the groups gnomAD compares: Non-Finnish European, 0.000085%; no homozygotes.

Submissions (4):

Women's Health and Genetics/Laboratory Corporation of America, LabCorp
Classification: Likely pathogenic for Medium-chain acyl-coenzyme A dehydrogenase deficiency. Last evaluated: 2026-02-10. Review status: criteria provided, single submitter. Criteria: LabCorp Variant Classification Summary - May 2015. Collection method: clinical testing. Allele origin: germline.
Comment: Variant summary: ACADM c.613G>C (p.Ala205Pro) results in a non-conservative amino acid change in the encoded protein sequence. Algorithms developed to predict the effect of missense changes on protein structure and function all suggest that this variant is likely to be disruptive. The variant was absent in 251384 control chromosomes. c.613G>C has been observed in individual(s) affected with Medium Chain Acyl-CoA Dehydrogenase Deficiency (examples: Smith_2010, Andresen_2012). These data indicate that the variant may be associated with disease. Other variant(s) that disrupt this residue have been determined to be pathogenic (PMID: 31012112; internal data). The following publications have been ascertained in the context of this evaluation (PMID: 20434380, 22542437). ClinVar contains an entry for this variant (Variation ID: 1455130). Based on the evidence outlined above, the variant was classified as likely pathogenic.

Labcorp Genetics (formerly Invitae), Labcorp
Classification: Pathogenic for Medium-chain acyl-coenzyme A dehydrogenase deficiency. Last evaluated: 2025-09-21. Review status: criteria provided, single submitter. Criteria: Invitae Variant Classification Sherloc (09022015). Collection method: clinical testing. Allele origin: germline.
Comment: This sequence change replaces alanine, which is neutral and non-polar, with proline, which is neutral and non-polar, at codon 205 of the ACADM protein (p.Ala205Pro). This variant is not present in population databases (gnomAD no frequency). This missense change has been observed in individual(s) with MCAD deficiency (PMID: 20434380, 22542437). ClinVar contains an entry for this variant (Variation ID: 1455130). Invitae Evidence Modeling of protein sequence and biophysical properties (such as structural, functional, and spatial information, amino acid conservation, physicochemical variation, residue mobility, and thermodynamic stability) indicates that this missense variant is expected to disrupt ACADM protein function with a positive predictive value of 80%. This variant disrupts the p.Ala205 amino acid residue in ACADM. Other variant(s) that disrupt this residue have been determined to be pathogenic (PMID: 31012112; internal data). This suggests that this residue is clinically significant, and that variants that disrupt this residue are likely to be disease-causing. For these reasons, this variant has been classified as Pathogenic.

GeneDx
Classification: Likely pathogenic. Last evaluated: 2024-01-30. Review status: criteria provided, single submitter. Criteria: GeneDx Variant Classification Process June 2021. Collection method: clinical testing. Allele origin: germline. Affected: yes.
Comment: Not observed at significant frequency in large population cohorts (gnomAD); In silico analysis supports that this missense variant has a deleterious effect on protein structure/function; This variant is associated with the following publications: (PMID: 22542437, 20434380)

Baylor Genetics
Classification: Likely pathogenic for Medium-chain acyl-coenzyme A dehydrogenase deficiency. Last evaluated: 2022-08-31. Review status: criteria provided, single submitter. Criteria: ACMG Guidelines, 2015. Collection method: clinical testing. Allele origin: unknown.

Literature cited by the submitters: PubMed 20434380 (cited by Women's Health and Genetics/Laboratory Corporation of America, LabCorp and Labcorp Genetics (formerly Invitae), Labcorp); PubMed 22542437 (cited by Women's Health and Genetics/Laboratory Corporation of America, LabCorp and Labcorp Genetics (formerly Invitae), Labcorp); PubMed 31012112 (cited by Labcorp Genetics (formerly Invitae), Labcorp).

NM_000016.6(ACADM):c.613G>C (p.Ala205Pro)

Gene: ACADM (acyl-CoA dehydrogenase medium chain; plus strand). Cytogenetic location: 1p31.1.
Variant type: single nucleotide variant.
Coding change: c.613G>C on transcript NM_000016.6 (MANE Select); coding-DNA position 613, G replaced by C.
Protein change: p.Ala205Pro; replaces alanine 205 with proline.
Molecular consequence: missense variant.
Genome position (GRCh38, 1-based): chr1:75,745,819, G>C. VCF-style: chr1-75745819-G-C. GRCh37 (hg19) VCF-style: chr1-76211504-G-C.
Other names: c.625G>C, p.Ala209Pro (NM_001127328.3); c.505G>C, p.Ala169Pro (NM_001286042.2); c.712G>C, p.Ala238Pro (NM_001286043.2); c.46G>C, p.Ala16Pro (NM_001286044.2); c.613G>C (NM_000016.4); short protein forms A238P, A169P, A16P, A209P, A205P.
Identifiers: ClinVar variation 1455130 (VCV001455130.11), dbSNP rs1324329442, ClinGen allele CA340815822.